The following is an entry in ClinVar:

NM_000454.5(SOD1):c.401A>G (p.Glu134Gly)

Gene: SOD1 (superoxide dismutase 1; plus strand). Cytogenetic location: 21q22.11.
Variant type: single nucleotide variant.
Coding change: c.401A>G on transcript NM_000454.5 (MANE Select); coding-DNA position 401, A replaced by G.
Protein change: p.Glu134Gly; replaces glutamic acid 134 with glycine.
Molecular consequence: missense variant.
Genome position (GRCh38, 1-based): chr21:31,668,514, A>G. VCF-style: chr21-31668514-A-G. GRCh37 (hg19) VCF-style: chr21-33040827-A-G.
Other names: short protein forms E134G.
Identifiers: ClinVar variation 2138380 (VCV002138380.4), dbSNP rs1568811426, ClinGen allele CA410037724.

ClinVar aggregate classification (germline): Pathogenic (1 of 4 stars; one submission).

Conditions:
Amyotrophic lateral sclerosis type 1 (ALS1). Also called: AMYOTROPHIC LATERAL SCLEROSIS 1, FAMILIAL. Identifiers: Orphanet 803, MedGen C1862939, MONDO:0007103, OMIM 105400.

Allele frequency attached by ClinVar (database versions not stated): gnomAD exomes below 0.00001.
gnomAD v4.1: 1 of 1,614,010 alleles (0.000062%); highest among the groups gnomAD compares: Non-Finnish European, 0.000085%; no homozygotes.

Submission:

Labcorp Genetics (formerly Invitae), Labcorp
Classification: Pathogenic for Amyotrophic lateral sclerosis type 1. Last evaluated: 2022-07-27. Review status: criteria provided, single submitter. Criteria: Invitae Variant Classification Sherloc (09022015). Collection method: clinical testing. Allele origin: germline.
Comment: For these reasons, this variant has been classified as Pathogenic. This variant disrupts the p.Glu134 amino acid residue in SOD1. Other variant(s) that disrupt this residue have been determined to be pathogenic (Invitae). This suggests that this residue is clinically significant, and that variants that disrupt this residue are likely to be disease-causing. This variant is not present in population databases (gnomAD no frequency). This sequence change replaces glutamic acid, which is acidic and polar, with glycine, which is neutral and non-polar, at codon 134 of the SOD1 protein (p.Glu134Gly). Advanced modeling of protein sequence and biophysical properties (such as structural, functional, and spatial information, amino acid conservation, physicochemical variation, residue mobility, and thermodynamic stability) performed at Invitae indicates that this missense variant is expected to disrupt SOD1 protein function. This variant is also known as p.Glu133Gly. This missense change has been observed in individuals with amyotrophic lateral sclerosis (PMID: 25509359; Invitae).

Literature cited by the submitters: PubMed 25509359.